The following is an entry in ClinVar:

NM_000051.4(ATM):c.4238A>T (p.Asp1413Val)

Gene: ATM (ATM serine/threonine kinase; plus strand). Cytogenetic location: 11q22.3.
Variant type: single nucleotide variant.
Coding change: c.4238A>T on transcript NM_000051.4 (MANE Select); coding-DNA position 4238, A replaced by T.
Protein change: p.Asp1413Val; replaces aspartic acid 1413 with valine.
Molecular consequence: missense variant.
Genome position (GRCh38, 1-based): chr11:108,289,603, A>T. VCF-style: chr11-108289603-A-T. GRCh37 (hg19) VCF-style: chr11-108160330-A-T.
Other names: c.4238A>T, p.Asp1413Val (NM_001351834.2); short protein forms D1413V.
Identifiers: ClinVar variation 2142131 (VCV002142131.4), dbSNP rs2082669585, ClinGen allele CA382530930.

ClinVar aggregate classification (germline): Uncertain significance (1 of 4 stars; one submission).

Conditions:
Ataxia-telangiectasia syndrome (AT). Also called: LOUIS-BAR SYNDROME; Ataxia telangiectasia (A-T); Cerebello-oculocutaneous telangiectasia; Immunodeficiency with ataxia telangiectasia; ATAXIA-TELANGIECTASIA, COMPLEMENTATION GROUP A; ATAXIA-TELANGIECTASIA, FRESNO VARIANT. Identifiers: Orphanet 100, MedGen C0004135, MONDO:0008840, OMIM 208900.

Submission:

Labcorp Genetics (formerly Invitae), Labcorp
Classification: Uncertain significance for Ataxia-telangiectasia syndrome. Last evaluated: 2025-12-30. Review status: criteria provided, single submitter. Criteria: Invitae Variant Classification Sherloc (09022015). Collection method: clinical testing. Allele origin: germline.
Comment: This sequence change replaces aspartic acid, which is acidic and polar, with valine, which is neutral and non-polar, at codon 1413 of the ATM protein (p.Asp1413Val). This variant is not present in population databases (gnomAD no frequency). This variant has not been reported in the literature in individuals affected with ATM-related conditions. ClinVar contains an entry for this variant (Variation ID: 2142131). An algorithm developed to predict the effect of missense changes on protein structure and function (PolyPhen-2) suggests that this variant is likely to be tolerated. In summary, the available evidence is currently insufficient to determine the role of this variant in disease. Therefore, it has been classified as a Variant of Uncertain Significance.